The following is an entry in ClinVar:

NM_000368.5(TSC1):c.59del (p.Gly20fs)

Gene: TSC1 (TSC complex subunit 1; minus strand). Cytogenetic location: 9q34.13.
Variant type: Deletion.
Coding change: c.59del on transcript NM_000368.5 (MANE Select); coding-DNA position 59, one base deleted (G; older notation c.59delG).
Protein change: p.Gly20fs; shifts the reading frame from glycine 20.
Molecular consequence: frameshift variant. On other transcripts: 5 prime UTR variant (16), non-coding transcript variant (5), intron variant (2).
Genome position (GRCh38, 1-based): chr9:132,928,814, C deleted on the plus strand (G on the coding strand, the reverse complement: TSC1 is on the minus strand); the first of 3 consecutive C bases (chr9:132,928,814-132,928,816); deleting any one gives the same sequence. VCF-style (leftmost placement, unchanged base first): chr9-132928813-AC-A. GRCh37 (hg19) VCF-style: chr9-135804200-AC-A.
Other names: c.59del, p.Gly20fs (NM_001162426.2, NM_001162427.2, NM_001406592.1 and 21 more transcripts); c.-201del (NM_001362177.2, NM_001406617.1, NM_001406619.1 and 3 more transcripts); c.-293del (NM_001406614.1); c.-430del (NM_001406615.1, NM_001406623.1); c.-397del (NM_001406616.1, NM_001406624.1); c.-819del (NM_001406626.1, NM_001406627.1, NM_001406628.1); c.-961del (NM_001406629.1); c.-1035del (NM_001406630.1); and 1 more; short protein forms G20fs.
Identifiers: ClinVar variation 2839713 (VCV002839713.3), dbSNP rs2539144261, ClinGen allele CA2739265180.

ClinVar aggregate classification (germline): Pathogenic (1 of 4 stars; one submission).

Conditions:
Tuberous sclerosis 1 (TSC1). Identifiers: Orphanet 805, MedGen C1854465, MONDO:0008612, OMIM 191100.

Submission:

Labcorp Genetics (formerly Invitae), Labcorp
Classification: Pathogenic for Tuberous sclerosis 1. Last evaluated: 2023-02-22. Review status: criteria provided, single submitter. Criteria: Invitae Variant Classification Sherloc (09022015). Collection method: clinical testing. Allele origin: germline.
Comment: For these reasons, this variant has been classified as Pathogenic. This variant has not been reported in the literature in individuals affected with TSC1-related conditions. This variant is not present in population databases (gnomAD no frequency). This sequence change creates a premature translational stop signal (p.Gly20Valfs*6) in the TSC1 gene. It is expected to result in an absent or disrupted protein product. Loss-of-function variants in TSC1 are known to be pathogenic (PMID: 10227394, 17304050).

Literature cited by the submitters: PubMed 10227394; PubMed 17304050.